The following is an entry in ClinVar:

ClinVar aggregate classification (germline): Pathogenic (1 of 4 stars; one submission).

gnomAD v4.1: 9 of 1,580,056 alleles (0.00057%); highest among the groups gnomAD compares: African/African-American, 0.0014%; no homozygotes.

Submission:

Labcorp Genetics (formerly Invitae), Labcorp
Classification: Pathogenic. Last evaluated: 2024-06-24. Review status: criteria provided, single submitter. Criteria: Invitae Variant Classification Sherloc (09022015). Collection method: clinical testing. Allele origin: germline.
Comment: This sequence change creates a premature translational stop signal (p.Arg481*) in the NALCN gene. It is expected to result in an absent or disrupted protein product. Loss-of-function variants in NALCN are known to be pathogenic (PMID: 23749988, 24075186). This variant is present in population databases (no rsID available, gnomAD 0.01%). This variant has not been reported in the literature in individuals affected with NALCN-related conditions. For these reasons, this variant has been classified as Pathogenic.

Literature cited by the submitters: PubMed 23749988; PubMed 24075186.

NM_052867.4(NALCN):c.1441C>T (p.Arg481Ter)

Gene: NALCN (sodium leak channel, non-selective; minus strand). Cytogenetic location: 13q33.1.
Variant type: single nucleotide variant.
Coding change: c.1441C>T on transcript NM_052867.4 (MANE Select); coding-DNA position 1441, C replaced by T.
Protein change: p.Arg481Ter; replaces arginine 481 with a stop codon.
Molecular consequence: nonsense.
Genome position (GRCh38, 1-based): chr13:101,229,578, G>A on the plus strand (C>T on the coding strand, the complement: NALCN is on the minus strand). VCF-style: chr13-101229578-G-A. GRCh37 (hg19) VCF-style: chr13-101881929-G-A.
Other names: c.1441C>T, p.Arg481Ter (NM_001350748.2, NM_001350749.2); c.1354C>T, p.Arg452Ter (NM_001350750.2, NM_001350751.2); short protein forms R452*, R481*.
Identifiers: ClinVar variation 3691466 (VCV003691466.2).